The following is an entry in ClinVar:

NM_000433.4(NCF2):c.1A>T (p.Met1Leu)

Gene: NCF2 (neutrophil cytosolic factor 2; minus strand). Cytogenetic location: 1q25.3.
Variant type: single nucleotide variant.
Coding change: c.1A>T on transcript NM_000433.4 (MANE Select); coding-DNA position 1, A replaced by T.
Protein change: p.Met1Leu; changes the start codon (methionine 1).
Molecular consequence: missense variant, initiator codon variant.
Genome position (GRCh38, 1-based): chr1:183,590,329, T>A on the plus strand (A>T on the coding strand, the complement: NCF2 is on the minus strand). VCF-style: chr1-183590329-T-A. GRCh37 (hg19) VCF-style: chr1-183559464-T-A.
Other names: c.1A>T (NM_000433.3); c.1A>T, p.Met1Leu (NM_001127651.3, NM_001190789.2, NM_001190794.2); short protein forms M1L.
Identifiers: ClinVar variation 1453397 (VCV001453397.10), dbSNP rs780810631, ClinGen allele CA343685515.

ClinVar aggregate classification (germline): Conflicting classifications of pathogenicity. Review status: criteria provided, conflicting classifications (1 of 4 stars). 2 submissions from 2 submitters: Pathogenic (1); Uncertain significance (1). Last evaluated 2024-05-22.

Conditions:
Granulomatous disease, chronic, autosomal recessive, cytochrome b-positive, type 2. Also called: Chronic granulomatous disease due to deficiency of NCF-2; Chronic Granulomatous Disease, Autosomal Recessive, Cytochrome b-Positive, Type II; GRANULOMATOUS DISEASE, CHRONIC, DUE TO NCF2 DEFICIENCY; CGD, AUTOSOMAL RECESSIVE CYTOCHROME b-POSITIVE, TYPE II; GRANULOMATOUS DISEASE, CHRONIC, AUTOSOMAL RECESSIVE, 2. Identifiers: Orphanet 379, MedGen C1856245, MONDO:0009310, OMIM 233710.

Submissions (2):

Labcorp Genetics (formerly Invitae), Labcorp
Classification: Pathogenic for Granulomatous disease, chronic, autosomal recessive, cytochrome b-positive, type 2. Last evaluated: 2024-05-22. Review status: criteria provided, single submitter. Criteria: Invitae Variant Classification Sherloc (09022015). Collection method: clinical testing. Allele origin: germline.
Comment: This sequence change affects the initiator methionine of the NCF2 mRNA. The next in-frame methionine is located at codon 46. This variant is present in population databases (no rsID available, gnomAD 0.003%). This variant has not been reported in the literature in individuals affected with NCF2-related conditions. ClinVar contains an entry for this variant (Variation ID: 1453397). This variant disrupts a region of the NCF2 protein in which other variant(s) (p.Lys19_Asp21del) have been determined to be pathogenic (PMID: 10498624, 10598813, 18625437; Invitae). This suggests that this is a clinically significant region of the protein, and that variants that disrupt it are likely to be disease-causing. For these reasons, this variant has been classified as Pathogenic.

Revvity Omics, Revvity
Classification: Uncertain significance for Granulomatous disease, chronic, autosomal recessive, cytochrome b-positive, type 2. Last evaluated: 2024-02-27. Review status: criteria provided, single submitter. Criteria: ACMG Guidelines, 2015. Collection method: clinical testing. Allele origin: germline.

Literature cited by the submitters: PubMed 10498624 (cited by Labcorp Genetics (formerly Invitae), Labcorp); PubMed 10598813 (cited by Labcorp Genetics (formerly Invitae), Labcorp); PubMed 18625437 (cited by Labcorp Genetics (formerly Invitae), Labcorp).